The following is an entry in ClinVar:

NM_005188.4(CBL):c.443+18C>T

Gene: CBL (Cbl proto-oncogene; plus strand). Cytogenetic location: 11q23.3.
Variant type: single nucleotide variant.
Coding change: c.443+18C>T on transcript NM_005188.4 (MANE Select); 18 bases into the intron after coding-DNA position 443, C replaced by T.
Molecular consequence: intron variant.
Genome position (GRCh38, 1-based): chr11:119,232,713, C>T. VCF-style: chr11-119232713-C-T. GRCh37 (hg19) VCF-style: chr11-119103423-C-T.
Identifiers: ClinVar variation 2023982 (VCV002023982.4), dbSNP rs1245306495, ClinGen allele CA602578899.

ClinVar aggregate classification (germline): Uncertain significance (1 of 4 stars; one submission).

Conditions:
RASopathy. Also called: rasopathies; Noonan spectrum disorder. Identifiers: Orphanet 536391, MedGen C5555857, MONDO:0021060.

Allele frequency attached by ClinVar (database versions not stated): gnomAD exomes below 0.00001.
gnomAD v4.1: 1 of 1,610,410 alleles (0.000062%); highest among the groups gnomAD compares: East Asian, 0.0022%; no homozygotes.

Submission:

Labcorp Genetics (formerly Invitae), Labcorp
Classification: Uncertain significance for RASopathy. Last evaluated: 2022-08-13. Review status: criteria provided, single submitter. Criteria: Invitae Variant Classification Sherloc (09022015). Collection method: clinical testing. Allele origin: germline.
Comment: This sequence change falls in intron 2 of the CBL gene. It does not directly change the encoded amino acid sequence of the CBL protein. This variant is present in population databases (no rsID available, gnomAD 0.006%). This variant has not been reported in the literature in individuals affected with CBL-related conditions. Algorithms developed to predict the effect of sequence changes on RNA splicing suggest that this variant may disrupt the consensus splice site. In summary, the available evidence is currently insufficient to determine the role of this variant in disease. Therefore, it has been classified as a Variant of Uncertain Significance.